The following is an entry in ClinVar:

NM_000535.7(PMS2):c.804-18C>T

Gene: PMS2 (PMS1 homolog 2, mismatch repair system component; minus strand). Cytogenetic location: 7p22.1.
Variant type: single nucleotide variant.
Coding change: c.804-18C>T on transcript NM_000535.7 (MANE Select); 18 bases into the intron before coding-DNA position 804, C replaced by T.
Molecular consequence: intron variant.
Genome position (GRCh38, 1-based): chr7:5,995,651, G>A on the plus strand (C>T on the coding strand, the complement: PMS2 is on the minus strand). VCF-style: chr7-5995651-G-A. GRCh37 (hg19) VCF-style: chr7-6035282-G-A.
Other names: c.486-18C>T (NM_001322008.2, NM_001322007.2); c.399-18C>T (NM_001322010.2, NM_001322004.2, NM_001322003.2 and 2 more transcripts); c.231-18C>T (NM_001322013.2); c.-130-18C>T (NM_001322012.2, NM_001322011.2); c.495-18C>T (NM_001322015.2); c.804-18C>T (NM_001322006.2, NM_001322014.2).
Identifiers: ClinVar variation 1571826 (VCV001571826.9), dbSNP rs749782840, ClinGen allele CA051794.

ClinVar aggregate classification (germline): Likely benign. Review status: criteria provided, multiple submitters, no conflicts (2 of 4 stars). 2 submissions from 2 submitters: Likely benign (2). Last evaluated 2025-07-30.

Conditions:
Hereditary nonpolyposis colorectal neoplasms. Identifiers: MedGen C0009405, MeSH D003123.
Lynch syndrome 4 (LYNCH4). Also called: Colorectal cancer, hereditary nonpolyposis, type 4; Hereditary non-polyposis colorectal cancer, type 4. Identifiers: Orphanet 144, MedGen C1838333, MONDO:0013699, OMIM 614337. Disease mechanism: loss of function.

Allele frequency attached by ClinVar (database versions not stated): TOPMed below 0.00001; ExAC 0.00002.
gnomAD v4.1: 2 of 1,507,890 alleles (0.00013%); highest among the groups gnomAD compares: East Asian, 0.0023%; no homozygotes.

Submissions (2):

Labcorp Genetics (formerly Invitae), Labcorp
Classification: Likely benign for Hereditary nonpolyposis colorectal neoplasms. Last evaluated: 2025-07-30. Review status: criteria provided, single submitter. Criteria: Invitae Variant Classification Sherloc (09022015). Collection method: clinical testing. Allele origin: germline.

Myriad Genetics, Inc.
Classification: Likely benign for Lynch syndrome 4. Last evaluated: 2025-01-28. Review status: criteria provided, single submitter. Criteria: Myriad Autosomal Dominant, Autosomal Recessive and X-Linked Classification Criteria (2023). Collection method: clinical testing. Allele origin: unknown.
Comment: This variant is considered likely benign. This variant is intronic and is not expected to impact mRNA splicing.